The following is an entry in ClinVar:

ClinVar aggregate classification (germline): Uncertain significance (1 of 4 stars; one submission).

Conditions:
Hermansky-Pudlak syndrome 2 (HPS2). Also called: Platelet defects and oculocutaneous albinism. Identifiers: Orphanet 183678, Orphanet 79430, MedGen C1842362, MONDO:0011997, OMIM 608233.

Allele frequency attached by ClinVar (database versions not stated): gnomAD exomes below 0.00001; TOPMed 0.00001.
gnomAD v4.1: 4 of 1,613,870 alleles (0.00025%); highest among the groups gnomAD compares: East Asian, 0.0022%; no homozygotes.

Submission:

Labcorp Genetics (formerly Invitae), Labcorp
Classification: Uncertain significance for Hermansky-Pudlak syndrome 2. Last evaluated: 2022-03-29. Review status: criteria provided, single submitter. Criteria: Invitae Variant Classification Sherloc (09022015). Collection method: clinical testing. Allele origin: germline.
Comment: This sequence change replaces histidine, which is basic and polar, with tyrosine, which is neutral and polar, at codon 325 of the AP3B1 protein (p.His325Tyr). This variant is present in population databases (no rsID available, gnomAD 0.006%). This variant has not been reported in the literature in individuals affected with AP3B1-related conditions. Algorithms developed to predict the effect of missense changes on protein structure and function are either unavailable or do not agree on the potential impact of this missense change (SIFT: "Deleterious"; PolyPhen-2: "Benign"; Align-GVGD: "Class C0"). In summary, the available evidence is currently insufficient to determine the role of this variant in disease. Therefore, it has been classified as a Variant of Uncertain Significance.

NM_003664.5(AP3B1):c.973C>T (p.His325Tyr)

Gene: AP3B1 (adaptor related protein complex 3 subunit beta 1; minus strand). Cytogenetic location: 5q14.1.
Variant type: single nucleotide variant.
Coding change: c.973C>T on transcript NM_003664.5 (MANE Select); coding-DNA position 973, C replaced by T.
Protein change: p.His325Tyr; replaces histidine 325 with tyrosine.
Molecular consequence: missense variant.
Genome position (GRCh38, 1-based): chr5:78,177,406, G>A on the plus strand (C>T on the coding strand, the complement: AP3B1 is on the minus strand). VCF-style: chr5-78177406-G-A. GRCh37 (hg19) VCF-style: chr5-77473230-G-A.
Other names: c.826C>T, p.His276Tyr (NM_001271769.2); c.973C>T, p.His325Tyr (NM_001410752.1); short protein forms H276Y, H325Y.
Identifiers: ClinVar variation 1970359 (VCV001970359.2), dbSNP rs891181644, ClinGen allele CA121092774.